The following is an entry in ClinVar:

NM_002526.4(NT5E):c.1578C>T (p.Asn526=)

Gene: NT5E (5'-nucleotidase ecto; plus strand). Cytogenetic location: 6q14.3.
Variant type: single nucleotide variant.
Coding change: c.1578C>T on transcript NM_002526.4 (MANE Select); coding-DNA position 1578, C replaced by T.
Protein change: p.Asn526=; no amino-acid change (asparagine 526 retained).
Molecular consequence: synonymous variant.
Genome position (GRCh38, 1-based): chr6:85,493,857, C>T. VCF-style: chr6-85493857-C-T. GRCh37 (hg19) VCF-style: chr6-86203575-C-T.
Other names: c.1428C>T, p.Asn476= (NM_001204813.2).
Identifiers: ClinVar variation 3357613 (VCV003357613.1).

ClinVar aggregate classification (germline): Likely benign (0 of 4 stars; one submission).

Conditions:
NT5E-related disorder. Also called: NT5E-related condition.

gnomAD v4.1: 31 of 1,613,424 alleles (0.0019%); highest among the groups gnomAD compares: East Asian, 0.04%; no homozygotes.

Submission:

PreventionGenetics, part of Exact Sciences
Classification: Likely benign for NT5E-related condition. Last evaluated: 2024-09-17. Review status: no assertion criteria provided. Collection method: clinical testing. Allele origin: germline.
Comment: This variant is classified as likely benign based on ACMG/AMP sequence variant interpretation guidelines (Richards et al. 2015 PMID: 25741868, with internal and published modifications).